The following is an entry in ClinVar:

ClinVar aggregate classification (germline): Likely benign. Review status: criteria provided, single submitter (1 of 4 stars). 2 submissions from 2 submitters: Likely benign (1). 1 of the submissions does not count toward it. Last evaluated 2026-05-01.

Conditions:
GNAS-related disorder. Identifiers: MedGen CN380105.

Allele frequency attached by ClinVar (database versions not stated): ESP Exome Variant Server 0.00038; ExAC 0.00007; gnomAD 0.00009.
gnomAD v4.1: 98 of 1,613,204 alleles (0.0061%); highest among the groups gnomAD compares: Non-Finnish European, 0.0079%; no homozygotes.

Submissions (2):

CeGaT Center for Human Genetics Tuebingen
Classification: Likely benign. Last evaluated: 2026-05-01. Review status: criteria provided, single submitter. Criteria: CeGaT Center For Human Genetics Tuebingen Variant Classification Criteria Version 2. Collection method: clinical testing. Allele origin: germline. Affected: yes. Observed: 1 variant allele.
Comment: GNAS: BP4

PreventionGenetics, part of Exact Sciences
Classification: Uncertain significance for GNAS-related condition. Last evaluated: 2024-02-07. Review status: no assertion criteria provided. Collection method: clinical testing. Allele origin: germline. Not counted in ClinVar's aggregate classification.
Comment: The GNAS c.398C>T variant is predicted to result in the amino acid substitution p.Pro133Leu. Of note, this variant is also referred to as c.-51223C>T (Pre-Coding) with the more commonly reported transcript, NM_000516. To our knowledge, this variant has not been reported in the literature. This variant is reported in 0.013% of alleles in individuals of European (Non-Finnish) descent in gnomAD. At this time, the clinical significance of this variant is uncertain due to the absence of conclusive functional and genetic evidence.

NM_016592.5(GNAS):c.398C>T (p.Pro133Leu)

Genes: GNAS (GNAS complex locus; plus strand), GNAS-AS1 (GNAS antisense RNA 1; minus strand). Cytogenetic location: 20q13.32.
Variant type: single nucleotide variant.
Coding change: c.398C>T on transcript NM_016592.5 (MANE Plus Clinical); coding-DNA position 398, C replaced by T.
Protein change: p.Pro133Leu; replaces proline 133 with leucine.
Molecular consequence: missense variant. On other transcripts: 5 prime UTR variant (1).
Genome position (GRCh38, 1-based): chr20:58,840,504, C>T. VCF-style: chr20-58840504-C-T. GRCh37 (hg19) VCF-style: chr20-57415559-C-T.
Other names: c.-340C>T (NM_001410912.1); short protein forms P133L.
Identifiers: ClinVar variation 2636041 (VCV002636041.5), dbSNP rs143549225, ClinGen allele CA9926323.